The following is an entry in ClinVar:

ClinVar aggregate classification (germline): Likely benign. Review status: criteria provided, multiple submitters, no conflicts (2 of 4 stars). 3 submissions from 3 submitters: Likely benign (3). Last evaluated 2025-10-01.

Conditions:
Cardiomyopathy (CMYO). Also called: Cardiomyopathies. Identifiers: Orphanet 167848, MedGen C0878544, MONDO:0004994, HP:0001638. Inheritance: Various modes of inheritance.
Familial isolated arrhythmogenic right ventricular dysplasia. Identifiers: Orphanet 217656, MedGen C4274968, MONDO:0016342.
Arrhythmogenic right ventricular dysplasia 11. Also called: Arrhythmogenic right ventricular dysplasia 11 with mild palmoplantar keratoderma and woolly hair; Arrhythmogenic Right Ventricular Dysplasia/Cardiomyopathy11; ARRHYTHMOGENIC RIGHT VENTRICULAR DYSPLASIA, FAMILIAL, 11. Identifiers: MedGen C1864850, MONDO:0012506, OMIM 610476.

Allele frequency attached by ClinVar (database versions not stated): TOPMed 0.00002; gnomAD 0.00001.
gnomAD v4.1: 1 of 1,614,068 alleles (0.000062%); highest among the groups gnomAD compares: African/African-American, 0.0013%; no homozygotes.

Submissions (3):

Labcorp Genetics (formerly Invitae), Labcorp
Classification: Likely benign for Arrhythmogenic right ventricular dysplasia 11. Last evaluated: 2025-10-01. Review status: criteria provided, single submitter. Criteria: Invitae Variant Classification Sherloc (09022015). Collection method: clinical testing. Allele origin: germline.

All of Us Research Program, National Institutes of Health
Classification: Likely benign for Familial isolated arrhythmogenic right ventricular dysplasia. Last evaluated: 2023-12-01. Review status: criteria provided, single submitter. Criteria: ACMG Guidelines, 2015. Collection method: clinical testing. Allele origin: germline. Inheritance: Autosomal dominant inheritance. Observed: 2 variant alleles, 2 heterozygotes.
Comment: This study involves interpretation of variants in research participants for the purpose of population health screening. Participant phenotype was not available at the time of variant classification. Additional details can be found in publication PMID: 35346344, PMCID: PMC8962531

Color Diagnostics, LLC DBA Color Health
Classification: Likely benign for Cardiomyopathy. Last evaluated: 2022-11-06. Review status: criteria provided, single submitter. Criteria: ACMG Guidelines, 2015. Collection method: clinical testing. Allele origin: germline.

NM_024422.6(DSC2):c.2256T>C (p.Ser752=)

Gene: DSC2 (desmocollin 2; minus strand). Cytogenetic location: 18q12.1.
Variant type: single nucleotide variant.
Coding change: c.2256T>C on transcript NM_024422.6 (MANE Select); coding-DNA position 2256, T replaced by C.
Protein change: p.Ser752=; no amino-acid change (serine 752 retained).
Molecular consequence: synonymous variant.
Genome position (GRCh38, 1-based): chr18:31,069,146, A>G on the plus strand (T>C on the coding strand, the complement: DSC2 is on the minus strand). VCF-style: chr18-31069146-A-G. GRCh37 (hg19) VCF-style: chr18-28649112-A-G.
Other names: c.2256T>C, p.Ser752= (NM_004949.5).
Identifiers: ClinVar variation 1588909 (VCV001588909.11), dbSNP rs1369056367, ClinGen allele CA503384697.
Genomic context (GRCh38, chr18:31,069,146, plus strand): 5'-CACGGTGCCACAAACTCCCTGAGCAGAAGCGCCCACAGTTTGGGTTGTGAAGCCATTCGC[A>G]GAATACTGAAATGAAAACAATTTGCATTAGGGATAATACAGAGAGGAACACAAAATTATG-3'
Protein context (NP_077740.1, residues 742-762): TEAPGDDKVY[Ser752=]ANGFTTQTVG